The following is an entry in ClinVar:

NM_001348768.2(HECW2):c.4328C>T (p.Ala1443Val)

Gene: HECW2 (HECT, C2 and WW domain containing E3 ubiquitin protein ligase 2; minus strand). Cytogenetic location: 2q32.3.
Variant type: single nucleotide variant.
Coding change: c.4328C>T on transcript NM_001348768.2 (MANE Select); coding-DNA position 4328, C replaced by T.
Protein change: p.Ala1443Val; replaces alanine 1443 with valine.
Molecular consequence: missense variant.
Genome position (GRCh38, 1-based): chr2:196,220,119, G>A on the plus strand (C>T on the coding strand, the complement: HECW2 is on the minus strand). VCF-style: chr2-196220119-G-A. GRCh37 (hg19) VCF-style: chr2-197084843-G-A.
Other names: c.3260C>T, p.Ala1087Val (NM_001304840.3); c.4328C>T, p.Ala1443Val (NM_020760.4); short protein forms A1087V, A1443V.
Identifiers: ClinVar variation 1690608 (VCV001690608.2), dbSNP rs2105814658, ClinGen allele CA349944666.

ClinVar aggregate classification (germline): Uncertain significance (1 of 4 stars; one submission).

Submission:

Laboratorio de Genetica e Diagnostico Molecular, Hospital Israelita Albert Einstein
Classification: Uncertain significance. Last evaluated: 2022-04-04. Review status: criteria provided, single submitter. Criteria: ACMG Guidelines, 2015. Collection method: clinical testing. Allele origin: germline. Affected: yes.
Comment: ACMG classification criteria: PM2, BP4